The following continues an entry in ClinVar:

NM_000051.4(ATM):c.5932G>T (p.Glu1978Ter)

ClinVar aggregate classification (germline): Pathogenic. Pathogenic (33).

Submissions 30 to 36 of 36:

Human Genome Sequencing Center Clinical Lab, Baylor College of Medicine
Classification: Pathogenic for Susceptibility to breast cancer; Ataxia-telangiectasia. Last evaluated: 2019-12-19. Review status: criteria provided, single submitter. Criteria: ACMG Guidelines, 2015. Collection method: clinical testing. Allele origin: germline.
Comment: This c.5932G>T (p.Glu1978Ter) variant in exon 41 of the ATM gene creates a premature translational stop signal and is predicted to result in loss of function through nonsense-mediated mRNA decay or by producing a truncated protein. This variant is present in population databases (rs587779852, gnomAD 0.004379%). This variant has been reported in several individuals affected with ataxia-telangiectasia (PMID: 15880721, 16266405, 17124347, 18497957, 19691550, 25614872) and breast cancer (PMID: 18807267). It has been found to be a prevalent ATM mutation in Eastern Europe (PMID: 15880721, 16266405, 18807267). Experimental studies indicate that this nonsense change leads to out-of-frame skipping of exon 41 (PMID: 10330348, 24451234). Therefore, this variant is classified as pathogenic.

Revvity Omics, Revvity
Classification: Pathogenic for Ataxia-telangiectasia syndrome. Last evaluated: 2019-05-10. Review status: criteria provided, single submitter. Criteria: ACMG Guidelines, 2015. Collection method: clinical testing. Allele origin: germline.

Women's Health and Genetics/Laboratory Corporation of America, LabCorp
Classification: Pathogenic for Ataxia-telangiectasia syndrome. Last evaluated: 2017-07-14. Review status: criteria provided, single submitter. Criteria: LabCorp Variant Classification Summary - May 2015. Collection method: clinical testing. Allele origin: germline.
Comment: Variant summary: The ATM c.5932G>T (p.Glu1978X) variant results in a premature termination codon, predicted to cause a truncated or absent ATM protein due to nonsense mediated decay, which are commonly known mechanisms for disease. Truncations downstream of this position have been classified as pathogenic by our laboratory (e.g., c.7327C>T [p.Arg2443X], c.7517_7520delGAGA [p.Arg2506fsX3], and c.7913G>A [p.Trp2638X]). One in silico tool predicts a damaging outcome for this variant. This variant was found in the control database ExAC and control cohorts reported in the literature at a frequency of 0.0000779 (10/128320 control chromosomes), which does not exceed the estimated maximal expected allele frequency of a pathogenic ATM variant (0.0039528). The variant has been found in homozygosity and compound heterozygosity in numerous patients and families with ataxia-telangiectasia (Podralska_MGGM_2014; Birrell_HM_2005). Additionally, a large case-control study showed that the variant is enriched in heterozygous breast cancer patients in Eastern European populations (Odds Ratio = 5.6; 95% CI = 1.323.4; p = 0.01; Bogdanova_BCRT_2009). In addition, multiple clinical diagnostic laboratories/reputable databases classified this variant as pathogenic for both ataxia-telangiectasia and hereditary cancer. Taken together, this variant is classified as pathogenic.

Imagene.me medical diagnostic laboratory, IMAGENE.ME SA
Classification: Pathogenic for Familial cancer of breast. Review status: criteria provided, single submitter. Criteria: IMAGENE.ME Variant Classification SOP 2022. Collection method: clinical testing. Allele origin: germline.
Comment: Classified according to the IMAGENE.ME variant classification SOP based on the ACMG guidelines as Pathogenic (P): PVS1 + PS4_Strong + PP5

BRCAlab, Lund University
Classification: Pathogenic for Familial cancer of breast. Last evaluated: 2022-08-26. Review status: no assertion criteria provided. Collection method: clinical testing. Allele origin: germline. Affected: yes. Not counted in ClinVar's aggregate classification.

CZECANCA consortium
Classification: Pathogenic for Breast and/or ovarian cancer. Last evaluated: 2019-06-11. Review status: no assertion criteria provided. Collection method: clinical testing. Allele origin: germline. Affected: yes. Observed: 1 variant allele. Not counted in ClinVar's aggregate classification.

Counsyl
Classification: Pathogenic for Ataxia-telangiectasia syndrome. Last evaluated: 2016-03-11. Review status: no assertion criteria provided. Collection method: clinical testing. Allele origin: unknown. Not counted in ClinVar's aggregate classification.

Literature cited by the submitters: PubMed 23807571 (cited by Labcorp Genetics (formerly Invitae), Labcorp and GeneKor MSA); PubMed 25614872 (cited by 6 submitters); PubMed 15880721 (cited by 5 submitters); PubMed 16266405 (cited by 5 submitters); PubMed 17124347 (cited by 3 submitters); PubMed 18497957 (cited by Labcorp Genetics (formerly Invitae), Labcorp); PubMed 18807267 (cited by 5 submitters); PubMed 19691550 (cited by 3 submitters); PubMed 28726808 (cited by Center for Genomic Medicine, Rigshospitalet, Copenhagen University Hospital and Ambry Genetics); PubMed 26483394 (cited by Center for Genomic Medicine, Rigshospitalet, Copenhagen University Hospital and Ambry Genetics); PubMed 10330348 (cited by Color Diagnostics, LLC DBA Color Health and Ambry Genetics); PubMed 30772474 (cited by Natera, Inc.); PubMed 10817650 (cited by Ambry Genetics); PubMed 10980530 (cited by Ambry Genetics); PubMed 19781682 (cited by Ambry Genetics); PubMed 26380989 (cited by Ambry Genetics); PubMed 26506520 (cited by Ambry Genetics); PubMed 27433846 (cited by Ambry Genetics); PubMed 27449771 (cited by Ambry Genetics); PubMed 9443866 (cited by Ambry Genetics and 3billion); PubMed 9887333 (cited by Ambry Genetics); PubMed 32295079 (cited by CZECANCA consortium).